The following is an entry in ClinVar:

ClinVar aggregate classification (germline): Uncertain significance (0 of 4 stars; one submission).

Conditions:
ADCY3-related disorder. Also called: ADCY3-related condition.

Allele frequency attached by ClinVar (database versions not stated): ESP Exome Variant Server 0.00008.
gnomAD v4.1: 26 of 1,613,892 alleles (0.0016%); highest among the groups gnomAD compares: Middle Eastern, 0.13%; no homozygotes.

Submission:

PreventionGenetics, part of Exact Sciences
Classification: Uncertain significance for ADCY3-related condition. Last evaluated: 2024-03-27. Review status: no assertion criteria provided. Collection method: clinical testing. Allele origin: germline.
Comment: The ADCY3 c.489C>G variant is predicted to result in the amino acid substitution p.His163Gln. To our knowledge, this variant has not been reported in the literature and is not present in a large population database. At this time, the clinical significance of this variant is uncertain due to the absence of conclusive functional and genetic evidence.

NM_004036.5(ADCY3):c.489C>G (p.His163Gln)

Gene: ADCY3 (adenylate cyclase 3; minus strand). Cytogenetic location: 2p23.3.
Variant type: single nucleotide variant.
Coding change: c.489C>G on transcript NM_004036.5 (MANE Select); coding-DNA position 489, C replaced by G.
Protein change: p.His163Gln; replaces histidine 163 with glutamine.
Molecular consequence: missense variant.
Genome position (GRCh38, 1-based): chr2:24,918,499, G>C on the plus strand (C>G on the coding strand, the complement: ADCY3 is on the minus strand). VCF-style: chr2-24918499-G-C. GRCh37 (hg19) VCF-style: chr2-25141368-G-C.
Other names: c.489C>G, p.His163Gln (NM_001320613.2, NM_001377128.1, NM_001377129.1 and 2 more transcripts); short protein forms H163Q.
Identifiers: ClinVar variation 2632023 (VCV002632023.2), dbSNP rs143034828, ClinGen allele CA1554498.